The following is an entry in ClinVar:

NM_019885.4(CYP26B1):c.704G>A (p.Arg235Gln)

Gene: CYP26B1 (cytochrome P450 family 26 subfamily B member 1; minus strand). Cytogenetic location: 2p13.2.
Variant type: single nucleotide variant.
Coding change: c.704G>A on transcript NM_019885.4 (MANE Select); coding-DNA position 704, G replaced by A.
Protein change: p.Arg235Gln; replaces arginine 235 with glutamine.
Molecular consequence: missense variant.
Genome position (GRCh38, 1-based): chr2:72,135,145, C>T on the plus strand (G>A on the coding strand, the complement: CYP26B1 is on the minus strand). VCF-style: chr2-72135145-C-T. GRCh37 (hg19) VCF-style: chr2-72362274-C-T.
Other names: c.479G>A, p.Arg160Gln (NM_001277742.2); short protein forms R235Q, R160Q.
Identifiers: ClinVar variation 2151937 (VCV002151937.2), dbSNP rs267599444, ClinGen allele CA1707978.

ClinVar aggregate classification (germline): Uncertain significance (1 of 4 stars; one submission).

Allele frequency attached by ClinVar (database versions not stated): gnomAD 0.00005; TOPMed 0.00006.
gnomAD v4.1: 213 of 1,613,440 alleles (0.013%); highest among the groups gnomAD compares: East Asian, 0.1%; 4 homozygotes.

Submission:

Labcorp Genetics (formerly Invitae), Labcorp
Classification: Uncertain significance. Last evaluated: 2023-11-27. Review status: criteria provided, single submitter. Criteria: Invitae Variant Classification Sherloc (09022015). Collection method: clinical testing. Allele origin: germline.
Comment: This sequence change replaces arginine, which is basic and polar, with glutamine, which is neutral and polar, at codon 235 of the CYP26B1 protein (p.Arg235Gln). This variant is present in population databases (rs267599444, gnomAD 0.04%). This variant has not been reported in the literature in individuals affected with CYP26B1-related conditions. ClinVar contains an entry for this variant (Variation ID: 2151937). An algorithm developed to predict the effect of missense changes on protein structure and function (PolyPhen-2) suggests that this variant¬†is likely to be tolerated. Experimental studies have shown that this missense change affects CYP26B1 function (PMID: 29297599). In summary, the available evidence is currently insufficient to determine the role of this variant in disease. Therefore, it has been classified as a Variant of Uncertain Significance.

Literature cited by the submitters: PubMed 29297599.